The following is an entry in ClinVar:

NM_004260.4(RECQL4):c.2598G>A (p.Gly866=)

Gene: RECQL4 (RecQ like helicase 4; minus strand). Cytogenetic location: 8q24.3.
Variant type: single nucleotide variant.
Coding change: c.2598G>A on transcript NM_004260.4 (MANE Select); coding-DNA position 2598, G replaced by A.
Protein change: p.Gly866=; no amino-acid change (glycine 866 retained).
Molecular consequence: synonymous variant. On other transcripts: non-coding transcript variant (3).
Genome position (GRCh38, 1-based): chr8:144,513,004, C>T on the plus strand (G>A on the coding strand, the complement: RECQL4 is on the minus strand). VCF-style: chr8-144513004-C-T. GRCh37 (hg19) VCF-style: chr8-145738387-C-T.
Other names: c.2598G>A (NM_004260.3); c.2304G>A, p.Gly768= (NM_001413017.1); c.2400G>A, p.Gly800= (NM_001413018.1); c.2598G>A, p.Gly866= (NM_001413019.1, NM_001413036.1); c.2502G>A, p.Gly834= (NM_001413020.1); c.1527G>A, p.Gly509= (NM_001413021.1, NM_001413022.1, NM_001413023.1 and 5 more transcripts); c.2469G>A, p.Gly823= (NM_001413025.1); c.1461G>A, p.Gly487= (NM_001413027.1, NM_001413030.1, NM_001413032.1 and 1 more transcripts); and 7 more.
Identifiers: ClinVar variation 2994237 (VCV002994237.4), dbSNP rs1586799490, ClinGen allele CA463566249.
Genomic context (GRCh38, chr8:144,513,004, plus strand): 5'-GCTAAGCTGCTCAGCCTCTTGAGGGGGGTACTTGGGCACAGGCCTCTCCCCACCCACGGC[C>T]CCTTCCTGCTCCGAGGGCGGCCTGGTGCAGGTGCAGGTGCAGGCTGGGAACACGCGCTGT-3'
Protein context (NP_004251.4, residues 856-876): TCTRPPSEQE[Gly866=]AVGGERPVPK

ClinVar aggregate classification (germline): Conflicting classifications of pathogenicity. Review status: criteria provided, conflicting classifications (1 of 4 stars). 2 submissions from 2 submitters: Uncertain significance (1); Likely benign (1). Last evaluated 2025-06-30.

Conditions:
Baller-Gerold syndrome (BGS). Also called: CRANIOSYNOSTOSIS WITH RADIAL DEFECTS. Identifiers: Orphanet 1225, MedGen C0265308, MONDO:0009039, OMIM 218600.
Inborn genetic diseases. Identifiers: MedGen C0950123, MeSH D030342.

Submissions (2):

Ambry Genetics
Classification: Likely benign for Inborn genetic diseases. Last evaluated: 2025-06-30. Review status: criteria provided, single submitter. Criteria: Ambry Variant Classification Scheme 2023. Collection method: clinical testing. Allele origin: germline.

Labcorp Genetics (formerly Invitae), Labcorp
Classification: Uncertain significance for Baller-Gerold syndrome. Last evaluated: 2023-10-09. Review status: criteria provided, single submitter. Criteria: Invitae Variant Classification Sherloc (09022015). Collection method: clinical testing. Allele origin: germline.
Comment: This sequence change affects codon 866 of the RECQL4 mRNA. It is a 'silent' change, meaning that it does not change the encoded amino acid sequence of the RECQL4 protein. This variant is not present in population databases (gnomAD no frequency). This variant has not been reported in the literature in individuals affected with RECQL4-related conditions. Algorithms developed to predict the effect of sequence changes on RNA splicing suggest that this variant may disrupt the consensus splice site. In summary, the available evidence is currently insufficient to determine the role of this variant in disease. Therefore, it has been classified as a Variant of Uncertain Significance.